The following is an entry in ClinVar:

ClinVar aggregate classification (germline): Pathogenic (1 of 4 stars; one submission).

Submission:

Labcorp Genetics (formerly Invitae), Labcorp
Classification: Pathogenic. Last evaluated: 2026-01-24. Review status: criteria provided, single submitter. Criteria: Invitae Variant Classification Sherloc (09022015). Collection method: clinical testing. Allele origin: germline.
Comment: This sequence change creates a premature translational stop signal (p.Arg679Leufs*38) in the FCHO1 gene. It is expected to result in an absent or disrupted protein product. Loss-of-function variants in FCHO1 are known to be pathogenic (PMID: 30822429). This variant is not present in population databases (gnomAD no frequency). This variant has not been reported in the literature in individuals affected with FCHO1-related conditions. ClinVar contains an entry for this variant (Variation ID: 2704841). For these reasons, this variant has been classified as Pathogenic.

Literature cited by the submitters: PubMed 30822429.

NM_015122.3(FCHO1):c.2035_2038del (p.Arg679fs)

Gene: FCHO1 (FCH and mu domain containing endocytic adaptor 1; plus strand). Cytogenetic location: 19p13.11.
Variant type: Deletion.
Coding change: c.2035_2038del on transcript NM_015122.3 (MANE Select); coding-DNA positions 2035 to 2038, 4 bases deleted (CGGC; older notation c.2035_2038delCGGC).
Protein change: p.Arg679fs; shifts the reading frame from arginine 679.
Molecular consequence: frameshift variant. On other transcripts: non-coding transcript variant (36).
Genome position (GRCh38, 1-based): chr19:17,783,114-17,783,117, CGGC deleted; deleting any 4 consecutive bases within chr19:17,783,113-17,783,117 gives the same sequence; the c. name uses the placement nearest the transcript's 3' end. VCF-style (leftmost placement, unchanged base first): chr19-17783112-TCCGG-T. GRCh37 (hg19) VCF-style: chr19-17893921-TCCGG-T.
Other names: c.1885_1888del, p.Arg629fs (NM_001384384.1, NM_001384385.1, NM_001384386.1 and 1 more transcripts); c.2035_2038del, p.Arg679fs (NM_001384387.1, NM_001384391.1, NM_001161357.2 and 13 more transcripts); c.1996_1999del, p.Arg666fs (NM_001384388.1, NM_001384389.1, NM_001384405.1); c.1960_1963del, p.Arg654fs (NM_001384390.1); c.1918_1921del, p.Arg640fs (NM_001384392.1, NM_001384393.1, NM_001384394.1 and 1 more transcripts); c.1759_1762del, p.Arg587fs (NM_001384396.1, NM_001384397.1, NM_001384398.1 and 5 more transcripts); c.1714_1717del, p.Arg572fs (NM_001384403.1); c.1609_1612del, p.Arg537fs (NM_001384406.1); and 1 more; short protein forms R537fs, R629fs, R679fs, R572fs, R587fs, R640fs, R666fs, R489fs.
Identifiers: ClinVar variation 2704841 (VCV002704841.3), dbSNP rs2514155878, ClinGen allele CA2697556385.